The following is an entry in ClinVar:

NC_000010.10:g.(?_95549836)_(95549947_?)del

Gene: LGI1 (leucine rich glioma inactivated 1; plus strand). Cytogenetic location: 10q23.33.
Variant type: Deletion.
Identifiers: ClinVar variation 1345194 (VCV001345194.7).

ClinVar aggregate classification (germline): Likely pathogenic (1 of 4 stars; one submission).

Conditions:
Autosomal dominant epilepsy with auditory features. Identifiers: Orphanet 101046, MedGen C1838062, MONDO:0010898.

Submission:

Labcorp Genetics (formerly Invitae), Labcorp
Classification: Likely pathogenic for Autosomal dominant epilepsy with auditory features. Last evaluated: 2022-10-17. Review status: criteria provided, single submitter. Criteria: Invitae Variant Classification Sherloc (09022015). Collection method: clinical testing. Allele origin: germline.
Comment: In summary, the currently available evidence indicates that the variant is pathogenic, but additional data are needed to prove that conclusively. Therefore, this variant has been classified as Likely Pathogenic. This variant disrupts the p.Leu154 amino acid residue in LGI1. Other variant(s) that disrupt this residue have been determined to be pathogenic (PMID: 15660777, 20863412). This suggests that this residue is clinically significant, and that variants that disrupt this residue are likely to be disease-causing. This variant has not been reported in the literature in individuals affected with LGI1-related conditions. This variant is a gross deletion of the genomic region encompassing exon(s) 5 of the LGI1 gene. This variant would be expected to be in-frame, preserving the integrity of the reading frame.

Literature cited by the submitters: PubMed 15660777; PubMed 20863412.